The following is an entry in ClinVar:

NM_000400.4(ERCC2):c.2146G>C (p.Val716Leu)

Gene: ERCC2 (ERCC excision repair 2, TFIIH core complex helicase subunit; minus strand). Cytogenetic location: 19q13.32.
Variant type: single nucleotide variant.
Coding change: c.2146G>C on transcript NM_000400.4 (MANE Select); coding-DNA position 2146, G replaced by C.
Protein change: p.Val716Leu; replaces valine 716 with leucine.
Molecular consequence: missense variant.
Genome position (GRCh38, 1-based): chr19:45,352,253, C>G on the plus strand (G>C on the coding strand, the complement: ERCC2 is on the minus strand). VCF-style: chr19-45352253-C-G. GRCh37 (hg19) VCF-style: chr19-45855511-C-G.
Other names: short protein forms V716L.
Identifiers: ClinVar variation 1786657 (VCV001786657.2), dbSNP rs770807976, ClinGen allele CA9512869.

ClinVar aggregate classification (germline): Uncertain significance (1 of 4 stars; one submission).

Conditions:
Inborn genetic diseases. Identifiers: MedGen C0950123, MeSH D030342.

Allele frequency attached by ClinVar (database versions not stated): ExAC 0.00001.
gnomAD v4.1: 1 of 1,614,070 alleles (0.000062%); highest among the groups gnomAD compares: Non-Finnish European, 0.000085%; no homozygotes.

Submission:

Ambry Genetics
Classification: Uncertain significance for Inborn genetic diseases. Last evaluated: 2022-08-23. Review status: criteria provided, single submitter. Criteria: Ambry Variant Classification Scheme 2023. Collection method: clinical testing. Allele origin: germline.
Comment: The p.V716L variant (also known as c.2146G>C), located in coding exon 22 of the ERCC2 gene, results from a G to C substitution at nucleotide position 2146. The valine at codon 716 is replaced by leucine, an amino acid with highly similar properties. This amino acid position is conserved. In addition, this alteration is predicted to be tolerated by in silico analysis. Since supporting evidence is limited at this time, the clinical significance of this alteration remains unclear.